The following is an entry in ClinVar:

ClinVar aggregate classification (germline): Uncertain significance. Review status: criteria provided, multiple submitters, no conflicts (2 of 4 stars). 2 submissions from 2 submitters: Uncertain significance (2). Last evaluated 2023-08-22.

Conditions:
Rubinstein-Taybi syndrome (RSTS). Identifiers: Orphanet 783, MedGen C0035934, MONDO:0019188.

Allele frequency attached by ClinVar (database versions not stated): gnomAD exomes below 0.00001.
gnomAD v4.1: 1 of 1,614,144 alleles (0.000062%); highest among the groups gnomAD compares: Non-Finnish European, 0.000085%; no homozygotes.

Submissions (2):

Labcorp Genetics (formerly Invitae), Labcorp
Classification: Uncertain significance for Rubinstein-Taybi syndrome. Last evaluated: 2023-08-22. Review status: criteria provided, single submitter. Criteria: Invitae Variant Classification Sherloc (09022015). Collection method: clinical testing. Allele origin: germline.
Comment: In summary, the available evidence is currently insufficient to determine the role of this variant in disease. Therefore, it has been classified as a Variant of Uncertain Significance. Advanced modeling of protein sequence and biophysical properties (such as structural, functional, and spatial information, amino acid conservation, physicochemical variation, residue mobility, and thermodynamic stability) performed at Invitae indicates that this missense variant is expected to disrupt CREBBP protein function. ClinVar contains an entry for this variant (Variation ID: 2430850). This variant has not been reported in the literature in individuals affected with CREBBP-related conditions. This variant is not present in population databases (gnomAD no frequency). This sequence change replaces aspartic acid, which is acidic and polar, with asparagine, which is neutral and polar, at codon 1254 of the CREBBP protein (p.Asp1254Asn).

GeneDx
Classification: Uncertain significance. Last evaluated: 2022-08-23. Review status: criteria provided, single submitter. Criteria: GeneDx Variant Classification Process June 2021. Collection method: clinical testing. Allele origin: germline. Affected: yes.
Comment: Not observed at significant frequency in large population cohorts (gnomAD); In silico analysis supports that this missense variant has a deleterious effect on protein structure/function; Has not been previously published as pathogenic or benign to our knowledge

NM_004380.3(CREBBP):c.3760G>A (p.Asp1254Asn)

Gene: CREBBP (CREB binding lysine acetyltransferase; minus strand). Cytogenetic location: 16p13.3.
Variant type: single nucleotide variant.
Coding change: c.3760G>A on transcript NM_004380.3 (MANE Select); coding-DNA position 3760, G replaced by A.
Protein change: p.Asp1254Asn; replaces aspartic acid 1254 with asparagine.
Molecular consequence: missense variant.
Genome position (GRCh38, 1-based): chr16:3,751,745, C>T on the plus strand (G>A on the coding strand, the complement: CREBBP is on the minus strand). VCF-style: chr16-3751745-C-T. GRCh37 (hg19) VCF-style: chr16-3801746-C-T.
Other names: c.3646G>A, p.Asp1216Asn (NM_001079846.1); short protein forms D1216N, D1254N.
Identifiers: ClinVar variation 2430850 (VCV002430850.4), dbSNP rs1005189041, ClinGen allele CA276992741.